The following is an entry in ClinVar:

ClinVar aggregate classification (germline): Likely benign (0 of 4 stars; one submission).

Conditions:
UCP3-related disorder. Also called: UCP3-related condition.

Allele frequency attached by ClinVar (database versions not stated): gnomAD exomes 0.00001; ExAC 0.00002; gnomAD 0.00002; TOPMed 0.00002; ESP Exome Variant Server 0.00008.
gnomAD v4.1: 12 of 1,613,548 alleles (0.00074%); highest among the groups gnomAD compares: South Asian, 0.0022%; no homozygotes.

Submission:

PreventionGenetics, part of Exact Sciences
Classification: Likely benign for UCP3-related condition. Last evaluated: 2022-08-09. Review status: no assertion criteria provided. Collection method: clinical testing. Allele origin: germline.
Comment: This variant is classified as likely benign based on ACMG/AMP sequence variant interpretation guidelines (Richards et al. 2015 PMID: 25741868, with internal and published modifications).

NM_003356.4(UCP3):c.237T>C (p.Asn79=)

Gene: UCP3 (uncoupling protein 3; minus strand). Cytogenetic location: 11q13.4.
Variant type: single nucleotide variant.
Coding change: c.237T>C on transcript NM_003356.4 (MANE Select); coding-DNA position 237, T replaced by C.
Protein change: p.Asn79=; no amino-acid change (asparagine 79 retained).
Molecular consequence: synonymous variant.
Genome position (GRCh38, 1-based): chr11:74,006,269, A>G on the plus strand (T>C on the coding strand, the complement: UCP3 is on the minus strand). VCF-style: chr11-74006269-A-G. GRCh37 (hg19) VCF-style: chr11-73717314-A-G.
Other names: c.237T>C, p.Asn79= (NM_022803.3).
Identifiers: ClinVar variation 3036340 (VCV003036340.2), dbSNP rs372897619, ClinGen allele CA6181573.
Genomic context (GRCh38, chr11:74,006,269, plus strand): 5'-ATAGAGGCCGATGCGGATGGAGGCGAAGCTCATCTGGCGCTGCAGGCCGGCCACCAGCCC[A>G]TTGTAGGGGCTGCAGGGACCCTCAGTCCGCACCATGGTCAGGATGGTGCCCAGCACGCCA-3'
Protein context (NP_003347.1, residues 69-89): VRTEGPCSPY[Asn79=]GLVAGLQRQM